The following is an entry in ClinVar:

ClinVar aggregate classification (germline): Uncertain significance. Review status: criteria provided, multiple submitters, no conflicts (2 of 4 stars). 2 submissions from 2 submitters: Uncertain significance (2). Last evaluated 2026-03-31.

Allele frequency attached by ClinVar (database versions not stated): TOPMed 0.00002; gnomAD 0.00002.

Submissions (2):

GeneDx
Classification: Uncertain significance. Last evaluated: 2026-03-31. Review status: criteria provided, single submitter. Criteria: GeneDx Variant Classification Process June 2021. Collection method: clinical testing. Allele origin: germline.
Comment: In silico analysis supports that this missense variant has a deleterious effect on protein structure/function; Has not been previously published as pathogenic or benign to our knowledge

Labcorp Genetics (formerly Invitae), Labcorp
Classification: Uncertain significance. Last evaluated: 2022-08-16. Review status: criteria provided, single submitter. Criteria: Invitae Variant Classification Sherloc (09022015). Collection method: clinical testing. Allele origin: germline.
Comment: This sequence change replaces aspartic acid, which is acidic and polar, with glutamic acid, which is acidic and polar, at codon 113 of the RDX protein (p.Asp113Glu). This variant is present in population databases (rs753800892, gnomAD 0.02%). This variant has not been reported in the literature in individuals affected with RDX-related conditions. ClinVar contains an entry for this variant (Variation ID: 1377095). Algorithms developed to predict the effect of missense changes on protein structure and function (SIFT, PolyPhen-2, Align-GVGD) all suggest that this variant is likely to be tolerated. In summary, the available evidence is currently insufficient to determine the role of this variant in disease. Therefore, it has been classified as a Variant of Uncertain Significance.

NM_002906.4(RDX):c.339T>G (p.Asp113Glu)

Gene: RDX (radixin; minus strand). Cytogenetic location: 11q22.3.
Variant type: single nucleotide variant.
Coding change: c.339T>G on transcript NM_002906.4 (MANE Select); coding-DNA position 339, T replaced by G.
Protein change: p.Asp113Glu; replaces aspartic acid 113 with glutamic acid.
Molecular consequence: missense variant. On other transcripts: intron variant (2).
Genome position (GRCh38, 1-based): chr11:110,264,088, A>C on the plus strand (T>G on the coding strand, the complement: RDX is on the minus strand). VCF-style: chr11-110264088-A-C. GRCh37 (hg19) VCF-style: chr11-110134813-A-C.
Other names: c.-83+15593T>G (NM_001260495.2); c.60-5899T>G (NM_001260494.2); c.339T>G, p.Asp113Glu (NM_001260492.2, NM_001260493.2); c.243T>G, p.Asp81Glu (NM_001260496.2); c.339T>G (NM_002906.3); short protein forms D113E, D81E.
Identifiers: ClinVar variation 1377095 (VCV001377095.9), dbSNP rs753800892, ClinGen allele CA6270345.